The following is an entry in ClinVar:

NM_001374736.1(DST):c.1924G>A (p.Ala642Thr)

Gene: DST (dystonin; minus strand). Cytogenetic location: 6p12.1.
Variant type: single nucleotide variant.
Coding change: c.1924G>A on transcript NM_001374736.1 (MANE Select); coding-DNA position 1924, G replaced by A.
Protein change: p.Ala642Thr; replaces alanine 642 with threonine.
Molecular consequence: missense variant.
Genome position (GRCh38, 1-based): chr6:56,642,050, C>T on the plus strand (G>A on the coding strand, the complement: DST is on the minus strand). VCF-style: chr6-56642050-C-T. GRCh37 (hg19) VCF-style: chr6-56506848-C-T.
Other names: c.1825G>A, p.Ala609Thr (NM_001144769.5); c.1411G>A, p.Ala471Thr (NM_001144770.2); c.1924G>A, p.Ala642Thr (NM_001374722.1); c.1291G>A, p.Ala431Thr (NM_001374729.1, NM_001374730.1, NM_001386100.1 and 1 more transcripts); c.1951G>A, p.Ala651Thr (NM_001374734.1); c.313G>A, p.Ala105Thr (NM_001723.7, NM_015548.5); short protein forms A431T, A642T, A471T, A651T, A609T, A105T.
Identifiers: ClinVar variation 1986736 (VCV001986736.4), dbSNP rs2098911353, ClinGen allele CA364615037.

ClinVar aggregate classification (germline): Uncertain significance (1 of 4 stars; one submission).

Conditions:
Hereditary sensory and autonomic neuropathy type 6. Also called: Neuropathy, hereditary sensory and autonomic, type VI; HSAN VI. Identifiers: Orphanet 314381, MedGen C3539003, MONDO:0013839, OMIM 614653.
Epidermolysis bullosa simplex 3, localized or generalized intermediate, with BP230 deficiency (EBS3). Also called: Epidermolysis bullosa simplex due to BP230 deficiency; Epidermolysis bullosa simplex, autosomal recessive 2. Identifiers: Orphanet 412181, MedGen C3809470, MONDO:0014180, OMIM 615425.

gnomAD v4.1: 3 of 1,612,972 alleles (0.00019%); highest among the groups gnomAD compares: Non-Finnish European, 0.00017%; no homozygotes.

Submission:

Labcorp Genetics (formerly Invitae), Labcorp
Classification: Uncertain significance for Epidermolysis bullosa simplex 3, localized or generalized intermediate, with BP230 deficiency; Hereditary sensory and autonomic neuropathy type 6. Last evaluated: 2022-05-07. Review status: criteria provided, single submitter. Criteria: Invitae Variant Classification Sherloc (09022015). Collection method: clinical testing. Allele origin: germline.
Comment: This variant is not present in population databases (gnomAD no frequency). This sequence change replaces alanine, which is neutral and non-polar, with threonine, which is neutral and polar, at codon 105 of the DST protein (p.Ala105Thr). This variant has not been reported in the literature in individuals affected with DST-related conditions. Algorithms developed to predict the effect of missense changes on protein structure and function (SIFT, PolyPhen-2, Align-GVGD) all suggest that this variant is likely to be disruptive. In summary, the available evidence is currently insufficient to determine the role of this variant in disease. Therefore, it has been classified as a Variant of Uncertain Significance.